The following is an entry in ClinVar:

ClinVar aggregate classification (germline): Uncertain significance (1 of 4 stars; one submission).

Allele frequency attached by ClinVar (database versions not stated): gnomAD exomes below 0.00001; TOPMed 0.00001.
gnomAD v4.1: 3 of 1,611,388 alleles (0.00019%); highest among the groups gnomAD compares: African/African-American, 0.0027%; no homozygotes.

Submission:

Labcorp Genetics (formerly Invitae), Labcorp
Classification: Uncertain significance. Last evaluated: 2023-05-25. Review status: criteria provided, single submitter. Criteria: Invitae Variant Classification Sherloc (09022015). Collection method: clinical testing. Allele origin: germline.
Comment: This sequence change falls in intron 6 of the PAFAH1B1 gene. It does not directly change the encoded amino acid sequence of the PAFAH1B1 protein. It affects a nucleotide within the consensus splice site. This variant is not present in population databases (gnomAD no frequency). This variant has not been reported in the literature in individuals affected with PAFAH1B1-related conditions. Variants that disrupt the consensus splice site are a relatively common cause of aberrant splicing (PMID: 17576681, 9536098). Algorithms developed to predict the effect of sequence changes on RNA splicing suggest that this variant may create or strengthen a splice site. In summary, the available evidence is currently insufficient to determine the role of this variant in disease. Therefore, it has been classified as a Variant of Uncertain Significance.

Literature cited by the submitters: PubMed 17576681; PubMed 9536098.

NM_000430.4(PAFAH1B1):c.568+6G>A

Gene: PAFAH1B1 (platelet activating factor acetylhydrolase 1b regulatory subunit 1; plus strand). Cytogenetic location: 17p13.3.
Variant type: single nucleotide variant.
Coding change: c.568+6G>A on transcript NM_000430.4 (MANE Select); 6 bases into the intron after coding-DNA position 568, G replaced by A.
Molecular consequence: intron variant.
Genome position (GRCh38, 1-based): chr17:2,670,337, G>A. VCF-style: chr17-2670337-G-A. GRCh37 (hg19) VCF-style: chr17-2573631-G-A.
Identifiers: ClinVar variation 2871701 (VCV002871701.3), dbSNP rs2069165081, ClinGen allele CA2243489531.
Genomic context (GRCh38, chr17:2,670,337, plus strand): 5'-ATGACCATTAAACTATGGGATTTTCAGGGCTTTGAATGCATCAGAACCATGCACGGTAAG[G>A]GGTAGAGGATAGTGCTTTAACAGTAATTTCTATCATGGTACTTCAGAAGGAATATTGTTT-3'